The following is an entry in ClinVar:

NM_022132.5(MCCC2):c.803G>C (p.Arg268Thr)

Gene: MCCC2 (methylcrotonyl-CoA carboxylase subunit 2; plus strand). Cytogenetic location: 5q13.2.
Variant type: single nucleotide variant.
Coding change: c.803G>C on transcript NM_022132.5 (MANE Select); coding-DNA position 803, G replaced by C.
Protein change: p.Arg268Thr; replaces arginine 268 with threonine.
Molecular consequence: missense variant.
Genome position (GRCh38, 1-based): chr5:71,632,185, G>C. VCF-style: chr5-71632185-G-C. GRCh37 (hg19) VCF-style: chr5-70928012-G-C.
Other names: c.689G>C, p.Arg230Thr (NM_001363147.1); short protein forms R268T, R230T.
Identifiers: ClinVar variation 1924 (VCV000001924.46), dbSNP rs119103223, ClinGen allele CA251970.

ClinVar aggregate classification (germline): Pathogenic. Review status: criteria provided, multiple submitters, no conflicts (2 of 4 stars). 3 submissions from 3 submitters: Pathogenic (2). 1 of the submissions does not count toward it. Last evaluated 2023-02-11.

Conditions:
3-methylcrotonyl-CoA carboxylase 2 deficiency. Also called: METHYLCROTONYLGLYCINURIA, TYPE II; 3 alpha methylcrotonyl-CoA carboxylase 2 deficiency; 3 alpha methylcrotonylglycinuria 2; MCC 2 deficiency; Methylcrotonylglycinuria type 2. Identifiers: Orphanet 6, MedGen C1859499, MONDO:0008862, OMIM 210210.

Allele frequency attached by ClinVar (database versions not stated): gnomAD exomes below 0.00001.

Submissions (3):

Labcorp Genetics (formerly Invitae), Labcorp
Classification: Pathogenic for 3-methylcrotonyl-CoA carboxylase 2 deficiency. Last evaluated: 2023-02-11. Review status: criteria provided, single submitter. Criteria: Invitae Variant Classification Sherloc (09022015). Collection method: clinical testing. Allele origin: germline.
Comment: This sequence change replaces arginine, which is basic and polar, with threonine, which is neutral and polar, at codon 268 of the MCCC2 protein (p.Arg268Thr). RNA analysis indicates that this missense change induces altered splicing and may result in an absent or disrupted protein product. This variant is not present in population databases (gnomAD no frequency). ClinVar contains an entry for this variant (Variation ID: 1924). This missense change has been observed in individual(s) with 3 methylcrotonyl-CoA carboxylase deficiency (PMID: 11406611, 16835865). It has also been observed to segregate with disease in related individuals. Variants that disrupt the consensus splice site are a relatively common cause of aberrant splicing (PMID: 17576681, 9536098). Studies have shown that this missense change results in activation of a cryptic splice site, deletes the last 19bp of exon 8 and introduces a premature termination codon (PMID: 16010683). The resulting mRNA is expected to undergo nonsense-mediated decay. Algorithms developed to predict the effect of missense changes on protein structure and function are either unavailable or do not agree on the potential impact of this missense change (SIFT: "Tolerated"; PolyPhen-2: "Possibly Damaging"; Align-GVGD: "Class C0"). For these reasons, this variant has been classified as Pathogenic.

CeGaT Center for Human Genetics Tuebingen
Classification: Pathogenic. Last evaluated: 2021-03-01. Review status: criteria provided, single submitter. Criteria: CeGaT Center For Human Genetics Tuebingen Variant Classification Criteria Version 2. Collection method: clinical testing. Allele origin: germline. Affected: yes. Observed: 2 variant alleles.

OMIM
Classification: Pathogenic for 3-METHYLCROTONYL-CoA CARBOXYLASE 2 DEFICIENCY. Last evaluated: 2001-06-01. Review status: no assertion criteria provided. Collection method: literature only. Allele origin: germline. Not counted in ClinVar's aggregate classification.

Literature cited by the submitters: PubMed 11406611 (cited by Labcorp Genetics (formerly Invitae), Labcorp and OMIM); PubMed 16835865 (cited by Labcorp Genetics (formerly Invitae), Labcorp); PubMed 17576681 (cited by Labcorp Genetics (formerly Invitae), Labcorp); PubMed 9536098 (cited by Labcorp Genetics (formerly Invitae), Labcorp); PubMed 16010683 (cited by Labcorp Genetics (formerly Invitae), Labcorp).